The following is an entry in ClinVar:

NM_006182.4(DDR2):c.2516G>A (p.Arg839His)

Gene: DDR2 (discoidin domain receptor tyrosine kinase 2; plus strand). Cytogenetic location: 1q23.3.
Variant type: single nucleotide variant.
Coding change: c.2516G>A on transcript NM_006182.4 (MANE Select); coding-DNA position 2516, G replaced by A.
Protein change: p.Arg839His; replaces arginine 839 with histidine.
Molecular consequence: missense variant.
Genome position (GRCh38, 1-based): chr1:162,780,194, G>A. VCF-style: chr1-162780194-G-A. GRCh37 (hg19) VCF-style: chr1-162749984-G-A.
Other names: c.2516G>A, p.Arg839His (NM_001014796.3, NM_001354982.2, NM_001354983.2); short protein forms R839H.
Identifiers: ClinVar variation 3067931 (VCV003067931.2), dbSNP rs1647819392, ClinGen allele CA343417804.

ClinVar aggregate classification (germline): Conflicting classifications of pathogenicity. Review status: criteria provided, conflicting classifications (1 of 4 stars). 2 submissions from 2 submitters: Likely pathogenic (1); Uncertain significance (1). Last evaluated 2025-09-13.

Conditions:
Spondyloepimetaphyseal dysplasia-short limb-abnormal calcification syndrome (SMED-SL). Also called: SMED, TYPE II; SMED-SL/AC; SMED short limb-hand type; SMED type 2; Spondylometaepiphyseal dysplasia short limb-abnormal calcification type; Smed short limb-abnormal calcification type. Identifiers: Orphanet 93358, MedGen C1849011, MONDO:0010077, OMIM 271665.

Allele frequency attached by ClinVar (database versions not stated): gnomAD exomes below 0.00001; TOPMed below 0.00001.
gnomAD v4.1: 1 of 1,613,882 alleles (0.000062%); highest among the groups gnomAD compares: Non-Finnish European, 0.000085%; no homozygotes.

Submissions (2):

Labcorp Genetics (formerly Invitae), Labcorp
Classification: Uncertain significance. Last evaluated: 2025-09-13. Review status: criteria provided, single submitter. Criteria: Invitae Variant Classification Sherloc (09022015). Collection method: clinical testing. Allele origin: germline.
Comment: This sequence change replaces arginine, which is basic and polar, with histidine, which is basic and polar, at codon 839 of the DDR2 protein (p.Arg839His). This variant is not present in population databases (gnomAD no frequency). This variant has not been reported in the literature in individuals affected with DDR2-related conditions. ClinVar contains an entry for this variant (Variation ID: 3067931). An algorithm developed to predict the effect of missense changes on protein structure and function (PolyPhen-2) suggests that this variant is likely to be disruptive. In summary, the available evidence is currently insufficient to determine the role of this variant in disease. Therefore, it has been classified as a Variant of Uncertain Significance.

Genomic Medicine Center of Excellence, King Faisal Specialist Hospital and Research Centre
Classification: Likely pathogenic for Spondyloepimetaphyseal dysplasia-short limb-abnormal calcification syndrome. Last evaluated: 2024-04-04. Review status: criteria provided, single submitter. Criteria: ACMG Guidelines, 2015. Collection method: clinical testing. Allele origin: germline.